The following is an entry in ClinVar:

NM_001039141.3(TRIOBP):c.5416C>G (p.Gln1806Glu)

Genes: TRIOBP (TRIO and F-actin binding protein; plus strand), LOC126863145 (CDK7 strongly-dependent group 2 enhancer GRCh37_chr22:38150829-38152028; plus strand). Cytogenetic location: 22q13.1.
Variant type: single nucleotide variant.
Coding change: c.5416C>G on transcript NM_001039141.3 (MANE Select); coding-DNA position 5416, C replaced by G.
Protein change: p.Gln1806Glu; replaces glutamine 1806 with glutamic acid.
Molecular consequence: missense variant.
Genome position (GRCh38, 1-based): chr22:37,754,913, C>G. VCF-style: chr22-37754913-C-G. GRCh37 (hg19) VCF-style: chr22-38150920-C-G.
Other names: c.277C>G, p.Gln93Glu (NM_007032.5, NM_138632.2); c.5416C>G (NM_001039141.2); short protein forms Q93E, Q1806E.
Identifiers: ClinVar variation 2203248 (VCV002203248.5), dbSNP rs142929031, ClinGen allele CA10224693.

ClinVar aggregate classification (germline): Uncertain significance. Review status: criteria provided, multiple submitters, no conflicts (2 of 4 stars). 4 submissions from 4 submitters: Uncertain significance (4). Last evaluated 2024-11-13.

Conditions:
Inborn genetic diseases. Identifiers: MedGen C0950123, MeSH D030342.

Allele frequency attached by ClinVar (database versions not stated): ExAC 0.00001; gnomAD 0.00005; gnomAD exomes 0.00006; ESP Exome Variant Server 0.00008; TOPMed 0.00008.
gnomAD v4.1: 91 of 1,614,040 alleles (0.0056%); highest among the groups gnomAD compares: Non-Finnish European, 0.0075%; no homozygotes.

Submissions (4):

GeneDx
Classification: Uncertain significance. Last evaluated: 2024-11-13. Review status: criteria provided, single submitter. Criteria: GeneDx Variant Classification Process June 2021. Collection method: clinical testing. Allele origin: germline. Affected: yes.
Comment: Not observed at significant frequency in large population cohorts (gnomAD); In silico analysis indicates that this missense variant does not alter protein structure/function

Blueprint Genetics
Classification: Uncertain significance. Last evaluated: 2024-03-26. Review status: criteria provided, single submitter. Criteria: ACMG Guidelines, 2015. Collection method: clinical testing. Allele origin: germline.

Ambry Genetics
Classification: Uncertain significance for Inborn genetic diseases. Last evaluated: 2022-08-30. Review status: criteria provided, single submitter. Criteria: Ambry Variant Classification Scheme 2023. Collection method: clinical testing. Allele origin: germline.

Labcorp Genetics (formerly Invitae), Labcorp
Classification: Uncertain significance. Last evaluated: 2022-01-26. Review status: criteria provided, single submitter. Criteria: Invitae Variant Classification Sherloc (09022015). Collection method: clinical testing. Allele origin: germline.
Comment: In summary, the available evidence is currently insufficient to determine the role of this variant in disease. Therefore, it has been classified as a Variant of Uncertain Significance. Algorithms developed to predict the effect of missense changes on protein structure and function (SIFT, PolyPhen-2, Align-GVGD) all suggest that this variant is likely to be tolerated. This variant has not been reported in the literature in individuals affected with TRIOBP-related conditions. This variant is present in population databases (rs142929031, gnomAD 0.003%). This sequence change replaces glutamine, which is neutral and polar, with glutamic acid, which is acidic and polar, at codon 1806 of the TRIOBP protein (p.Gln1806Glu).